The following is an entry in ClinVar:

ClinVar aggregate classification (germline): Uncertain significance. Review status: criteria provided, single submitter (1 of 4 stars). 2 submissions from 2 submitters: Uncertain significance (1). 1 of the submissions does not count toward it. Last evaluated 2025-03-17.

Conditions:
Autosomal dominant aplasia and myelodysplasia. Also called: Bone marrow failure syndrome 1. Identifiers: Orphanet 314399, MedGen C3808553, MONDO:0013851, OMIM 614675.

gnomAD v4.1: 1 of 1,556,820 alleles (0.000064%); highest among the groups gnomAD compares: Non-Finnish European, 0.000087%; no homozygotes.

Submissions (2):

Ambry Genetics
Classification: Uncertain significance. Last evaluated: 2025-03-17. Review status: criteria provided, single submitter. Criteria: Ambry Variant Classification Scheme 2023. Collection method: clinical testing. Allele origin: germline.
Comment: The p.A2V variant (also known as c.5C>T), located in coding exon 1 of the SRP72 gene, results from a C to T substitution at nucleotide position 5. The alanine at codon 2 is replaced by valine, an amino acid with similar properties. This amino acid position is conserved. In addition, the in silico prediction for this alteration is inconclusive. Based on the available evidence, the clinical significance of this variant remains unclear.

Laboratory of Immunopathology and Genetics, Medical Laboratory of Pediatric Oncology and Hematology, Central Clinical Hospital of the Medical University of Lodz
Classification: Uncertain significance for Autosomal dominant aplasia and myelodysplasia. Last evaluated: 2024-12-01. Review status: no assertion criteria provided. Collection method: clinical testing. Allele origin: germline. Affected: yes. Observed: 1 variant allele. Not counted in ClinVar's aggregate classification.

NM_006947.4(SRP72):c.5C>T (p.Ala2Val)

Genes: SRP72 (signal recognition particle 72; plus strand), LOC129992625 (ATAC-STARR-seq lymphoblastoid active region 21580; plus strand). Cytogenetic location: 4q12.
Variant type: single nucleotide variant.
Coding change: c.5C>T on transcript NM_006947.4 (MANE Select); coding-DNA position 5, C replaced by T.
Protein change: p.Ala2Val; replaces alanine 2 with valine.
Molecular consequence: missense variant. On other transcripts: non-coding transcript variant (1).
Genome position (GRCh38, 1-based): chr4:56,467,640, C>T. VCF-style: chr4-56467640-C-T. GRCh37 (hg19) VCF-style: chr4-57333806-C-T.
Other names: c.5C>T, p.Ala2Val (NM_001267722.2); short protein forms A2V.
Identifiers: ClinVar variation 3962024 (VCV003962024.2).